The following is an entry in ClinVar:

NC_000013.11:g.48303690G>A

Genes: RB1 (RB transcriptional corepressor 1; plus strand), RB1-DT (RB1 divergent transcript; minus strand). Cytogenetic location: 13q14.2.
Variant type: single nucleotide variant.
Molecular consequence: non-coding transcript variant (on NR_046414.2).
Genome position: GRCh38 VCF-style: chr13-48303690-G-A. GRCh37 (hg19) VCF-style: chr13-48877826-G-A.
Identifiers: ClinVar variation 3644365 (VCV003644365.2).
Genomic context (GRCh38, chr13:48,303,690, plus strand): 5'-CGTCCCAGCCCGCGCACCGACCAGCGCCCCAGTTCCCCACAGACGCCGGCGGGCCCGGGA[G>A]CCTCGCGGACGTGACGCCGCGGGCGGAAGTGACGTTTTCCCGCGGTTGGACGCGGCGCTC-3'

ClinVar aggregate classification (germline): Uncertain significance (1 of 4 stars; one submission).

Conditions:
Retinoblastoma (RB1). Also called: RETINOBLASTOMA, SOMATIC. Identifiers: Orphanet 790, MedGen C0035335, MeSH D012175, MONDO:0008380, OMIM 180200, HP:0009919. Disease mechanism: loss of function. Inheritance: Both sporadic and heritable forms are tested..

Submission:

Labcorp Genetics (formerly Invitae), Labcorp
Classification: Uncertain significance for Retinoblastoma. Last evaluated: 2024-09-08. Review status: criteria provided, single submitter. Criteria: Invitae Variant Classification Sherloc (09022015). Collection method: clinical testing. Allele origin: germline.
Comment: This variant occurs in a non-coding region of the RB1 gene. It does not change the encoded amino acid sequence of the RB1 protein. This variant is not present in population databases (gnomAD no frequency). This variant has not been reported in the literature in individuals affected with RB1-related conditions. Experimental studies and prediction algorithms are not available or were not evaluated, and the functional significance of this variant is currently unknown. In summary, the available evidence is currently insufficient to determine the role of this variant in disease. Therefore, it has been classified as a Variant of Uncertain Significance.